The following is an entry in ClinVar:

ClinVar aggregate classification (germline): Likely benign (1 of 4 stars; one submission).

gnomAD v4.1: 5,758 of 1,570,160 alleles (0.37%); highest among the groups gnomAD compares: Non-Finnish European, 0.43%; 19 homozygotes.

Submission:

CeGaT Center for Human Genetics Tuebingen
Classification: Likely benign. Last evaluated: 2024-10-01. Review status: criteria provided, single submitter. Criteria: CeGaT Center For Human Genetics Tuebingen Variant Classification Criteria Version 2. Collection method: clinical testing. Allele origin: germline. Affected: yes. Observed: 1 variant allele.
Comment: MIA3: BS2

NM_198551.4(MIA3):c.359C>T (p.Thr120Met)

Gene: MIA3 (MIA SH3 domain ER export factor 3; plus strand). Cytogenetic location: 1q41.
Variant type: single nucleotide variant.
Coding change: c.359C>T on transcript NM_198551.4 (MANE Select); coding-DNA position 359, C replaced by T.
Protein change: p.Thr120Met; replaces threonine 120 with methionine.
Molecular consequence: missense variant. On other transcripts: 5 prime UTR variant (1).
Genome position (GRCh38, 1-based): chr1:222,627,579, C>T. VCF-style: chr1-222627579-C-T. GRCh37 (hg19) VCF-style: chr1-222800921-C-T.
Other names: c.359C>T, p.Thr120Met (NM_001324062.2, NM_001324063.2); c.-134C>T (NM_001324064.2); short protein forms T120M.
Identifiers: ClinVar variation 3387972 (VCV003387972.14).